The following is an entry in ClinVar:

NM_001543.5(NDST1):c.1038C>T (p.Arg346=)

Gene: NDST1 (N-deacetylase and N-sulfotransferase 1; plus strand). Cytogenetic location: 5q33.1.
Variant type: single nucleotide variant.
Coding change: c.1038C>T on transcript NM_001543.5 (MANE Select); coding-DNA position 1038, C replaced by T.
Protein change: p.Arg346=; no amino-acid change (arginine 346 retained).
Molecular consequence: synonymous variant.
Genome position (GRCh38, 1-based): chr5:150,532,974, C>T. VCF-style: chr5-150532974-C-T. GRCh37 (hg19) VCF-style: chr5-149912536-C-T.
Other names: c.1038C>T, p.Arg346= (NM_001301063.2).
Identifiers: ClinVar variation 4821856 (VCV004821856.4).
Genomic context (GRCh38, chr5:150,532,974, plus strand): 5'-CACTCATTCCTTTCTCCCCTGCCTGTCCTAGGCCCTGTTTGACACACAGAACGAACTACG[C>T]GCACACATCCCAAACTTCACCTTCAACCTGGGCTACTCAGGGAAATTCTTCCACACAGGT-3'
Protein context (NP_001534.1, residues 336-356): KALFDTQNEL[Arg346=]AHIPNFTFNL

ClinVar aggregate classification (germline): Likely benign (1 of 4 stars; one submission).

gnomAD v4.1: 15 of 1,614,228 alleles (0.00093%); highest among the groups gnomAD compares: Middle Eastern, 0.033%; no homozygotes.

Submission:

CeGaT Center for Human Genetics Tuebingen
Classification: Likely benign. Last evaluated: 2026-02-01. Review status: criteria provided, single submitter. Criteria: CeGaT Center For Human Genetics Tuebingen Variant Classification Criteria Version 2. Collection method: clinical testing. Allele origin: germline. Affected: yes. Observed: 1 variant allele.
Comment: NDST1: BP4, BP7